The following is an entry in ClinVar:

NM_001846.4(COL4A2):c.3695G>C (p.Gly1232Ala)

Gene: COL4A2 (collagen type IV alpha 2 chain; plus strand). Cytogenetic location: 13q34.
Variant type: single nucleotide variant.
Coding change: c.3695G>C on transcript NM_001846.4 (MANE Select); coding-DNA position 3695, G replaced by C.
Protein change: p.Gly1232Ala; replaces glycine 1232 with alanine.
Molecular consequence: missense variant.
Genome position (GRCh38, 1-based): chr13:110,495,402, G>C. VCF-style: chr13-110495402-G-C. GRCh37 (hg19) VCF-style: chr13-111147749-G-C.
Other names: c.3695G>C (NM_001846.3); short protein forms G1232A.
Identifiers: ClinVar variation 2869780 (VCV002869780.5), dbSNP rs1442002576, ClinGen allele CA388733578.

ClinVar aggregate classification (germline): Uncertain significance. Review status: criteria provided, multiple submitters, no conflicts (2 of 4 stars). 3 submissions from 3 submitters: Uncertain significance (2). 1 of the submissions does not count toward it. Last evaluated 2023-07-20.

Conditions:
COL4A2-related disorder. Also called: COL4A2-related disorders; COL4A2-related condition.

Allele frequency attached by ClinVar (database versions not stated): gnomAD 0.00001; gnomAD exomes 0.00001.
gnomAD v4.1: 9 of 1,613,990 alleles (0.00056%); highest among the groups gnomAD compares: South Asian, 0.0011%; no homozygotes.

Submissions (3):

Blueprint Genetics
Classification: Uncertain significance. Last evaluated: 2023-07-20. Review status: criteria provided, single submitter. Criteria: ACMG Guidelines, 2015. Collection method: clinical testing. Allele origin: germline.

Labcorp Genetics (formerly Invitae), Labcorp
Classification: Uncertain significance. Last evaluated: 2023-06-21. Review status: criteria provided, single submitter. Criteria: Invitae Variant Classification Sherloc (09022015). Collection method: clinical testing. Allele origin: germline.
Comment: In summary, the available evidence is currently insufficient to determine the role of this variant in disease. Therefore, it has been classified as a Variant of Uncertain Significance. Advanced modeling of protein sequence and biophysical properties (such as structural, functional, and spatial information, amino acid conservation, physicochemical variation, residue mobility, and thermodynamic stability) has been performed at Invitae for this missense variant, however the output from this modeling did not meet the statistical confidence thresholds required to predict the impact of this variant on COL4A2 protein function. This variant has not been reported in the literature in individuals affected with COL4A2-related conditions. This variant is not present in population databases (gnomAD no frequency). This sequence change replaces glycine, which is neutral and non-polar, with alanine, which is neutral and non-polar, at codon 1232 of the COL4A2 protein (p.Gly1232Ala).

PreventionGenetics, part of Exact Sciences
Classification: Uncertain significance for COL4A2-related condition. Last evaluated: 2024-09-26. Review status: no assertion criteria provided. Collection method: clinical testing. Allele origin: germline. Not counted in ClinVar's aggregate classification.
Comment: The COL4A2 c.3695G>C variant is predicted to result in the amino acid substitution p.Gly1232Ala. To our knowledge, this variant has not been reported in the literature. This variant is reported in 0.0009% of alleles in individuals of European (Non-Finnish) descent in gnomAD (i.e. in a single heterozygous individual of unknown phenotype). This variant results in a glycine substitution in the collagen triple helical region of the COL4A2 protein (Alamut visual 2.11) and glycine substitution in this region is frequently pathogenic (Fidler et al. 2018. PubMed ID: 29632050). Although we suspect that this variant may be pathogenic, at this time, the clinical significance of this variant is uncertain due to the absence of conclusive functional and genetic evidence.